The following is an entry in ClinVar:

NM_000455.5(STK11):c.838C>A (p.Pro280Thr)

Gene: STK11 (serine/threonine kinase 11; plus strand). Cytogenetic location: 19p13.3.
Variant type: single nucleotide variant.
Coding change: c.838C>A on transcript NM_000455.5 (MANE Select); coding-DNA position 838, C replaced by A.
Protein change: p.Pro280Thr; replaces proline 280 with threonine.
Molecular consequence: missense variant. On other transcripts: non-coding transcript variant (1).
Genome position (GRCh38, 1-based): chr19:1,221,316, C>A. VCF-style: chr19-1221316-C-A. GRCh37 (hg19) VCF-style: chr19-1221315-C-A.
Other names: c.838C>A, p.Pro280Thr (NM_001407255.1); short protein forms P280T.
Identifiers: ClinVar variation 2679055 (VCV002679055.4), dbSNP rs1555738708, ClinGen allele CA402950699.

ClinVar aggregate classification (germline): Uncertain significance. Review status: criteria provided, multiple submitters, no conflicts (2 of 4 stars). 2 submissions from 2 submitters: Uncertain significance (2). Last evaluated 2023-11-01.

Conditions:
Melanoma, cutaneous malignant, susceptibility to, 1 (CMM1). Also called: B-K MOLE SYNDROME; MELANOMA, MALIGNANT; DYSPLASTIC NEVUS SYNDROME, HEREDITARY; FAMILIAL ATYPICAL MOLE-MALIGNANT MELANOMA SYNDROME. Identifiers: Orphanet 618, MedGen C1835047, MONDO:0007963, OMIM 155600.
Peutz-Jeghers syndrome (PJS). Also called: Peutz-Jeghers polyposis; Periorificial lentiginosis syndrome; POLYPOSIS, HAMARTOMATOUS INTESTINAL; POLYPS-AND-SPOTS SYNDROME. Identifiers: Orphanet 2869, MedGen C0031269, MeSH D010580, MONDO:0008280, OMIM 175200.

Submissions (2):

Labcorp Genetics (formerly Invitae), Labcorp
Classification: Uncertain significance for Peutz-Jeghers syndrome. Last evaluated: 2023-11-01. Review status: criteria provided, single submitter. Criteria: Invitae Variant Classification Sherloc (09022015). Collection method: clinical testing. Allele origin: germline.
Comment: This sequence change replaces proline, which is neutral and non-polar, with threonine, which is neutral and polar, at codon 280 of the STK11 protein (p.Pro280Thr). This variant is not present in population databases (gnomAD no frequency). This variant has not been reported in the literature in individuals affected with STK11-related conditions. Advanced modeling of protein sequence and biophysical properties (such as structural, functional, and spatial information, amino acid conservation, physicochemical variation, residue mobility, and thermodynamic stability) performed at Invitae indicates that this missense variant is not expected to disrupt STK11 protein function with a negative predictive value of 80%. In summary, the available evidence is currently insufficient to determine the role of this variant in disease. Therefore, it has been classified as a Variant of Uncertain Significance.

Baylor Genetics
Classification: Uncertain significance for Melanoma, cutaneous malignant, susceptibility to, 1. Last evaluated: 2023-06-25. Review status: criteria provided, single submitter. Criteria: ACMG Guidelines, 2015. Collection method: clinical testing. Allele origin: unknown.